The following is an entry in ClinVar:

NM_006445.4(PRPF8):c.6994G>T (p.Asp2332Tyr)

Gene: PRPF8 (pre-mRNA processing factor 8; minus strand). Cytogenetic location: 17p13.3.
Variant type: single nucleotide variant.
Coding change: c.6994G>T on transcript NM_006445.4 (MANE Select); coding-DNA position 6994, G replaced by T.
Protein change: p.Asp2332Tyr; replaces aspartic acid 2332 with tyrosine.
Molecular consequence: missense variant.
Genome position (GRCh38, 1-based): chr17:1,650,816, C>A on the plus strand (G>T on the coding strand, the complement: PRPF8 is on the minus strand). VCF-style: chr17-1650816-C-A. GRCh37 (hg19) VCF-style: chr17-1554110-C-A.
Other names: short protein forms D2332Y.
Identifiers: ClinVar variation 1918132 (VCV001918132.5), dbSNP rs2543709474, ClinGen allele CA397561721.

ClinVar aggregate classification (germline): Uncertain significance (1 of 4 stars; one submission).

Submission:

Labcorp Genetics (formerly Invitae), Labcorp
Classification: Uncertain significance. Last evaluated: 2022-05-27. Review status: criteria provided, single submitter. Criteria: Invitae Variant Classification Sherloc (09022015). Collection method: clinical testing. Allele origin: germline.
Comment: This sequence change replaces aspartic acid, which is acidic and polar, with tyrosine, which is neutral and polar, at codon 2332 of the PRPF8 protein (p.Asp2332Tyr). This variant is not present in population databases (gnomAD no frequency). This missense change has been observed in individual(s) with clinical features of retinitis pigmentosa (PMID: 31054281, 33576794). Algorithms developed to predict the effect of missense changes on protein structure and function are either unavailable or do not agree on the potential impact of this missense change (SIFT: "Deleterious"; PolyPhen-2: "Probably Damaging"; Align-GVGD: "Class C0"). In summary, the available evidence is currently insufficient to determine the role of this variant in disease. Therefore, it has been classified as a Variant of Uncertain Significance.

Literature cited by the submitters: PubMed 31054281; PubMed 33576794.